The following is an entry in ClinVar:

NM_001035.3(RYR2):c.11382C>T (p.Ala3794=)

Gene: RYR2 (ryanodine receptor 2; plus strand). Cytogenetic location: 1q43.
Variant type: single nucleotide variant.
Coding change: c.11382C>T on transcript NM_001035.3 (MANE Select); coding-DNA position 11382, C replaced by T.
Protein change: p.Ala3794=; no amino-acid change (alanine 3794 retained).
Molecular consequence: synonymous variant.
Genome position (GRCh38, 1-based): chr1:237,759,832, C>T. VCF-style: chr1-237759832-C-T. GRCh37 (hg19) VCF-style: chr1-237923132-C-T.
Identifiers: ClinVar variation 506133 (VCV000506133.43), dbSNP rs760519786, ClinGen allele CA084928.

ClinVar aggregate classification (germline): Likely benign. Review status: criteria provided, multiple submitters, no conflicts (2 of 4 stars). 6 submissions from 6 submitters: Likely benign (6). Last evaluated 2025-12-17.

Conditions:
Catecholaminergic polymorphic ventricular tachycardia (CVPT). Also called: Catecholamine-induced polymorphic ventricular tachycardia. Identifiers: Orphanet 3286, MedGen C5574922, MONDO:0017990.
Cardiomyopathy (CMYO). Also called: Cardiomyopathies. Identifiers: Orphanet 167848, MedGen C0878544, MONDO:0004994, HP:0001638. Inheritance: Various modes of inheritance.
Cardiovascular phenotype. Identifiers: MedGen CN230736.
Catecholaminergic polymorphic ventricular tachycardia 1. Also called: VENTRICULAR TACHYCARDIA, CATECHOLAMINERGIC POLYMORPHIC, 1, WITH OR WITHOUT ATRIAL DYSFUNCTION AND/OR DILATED CARDIOMYOPATHY; VENTRICULAR TACHYCARDIA, STRESS-INDUCED POLYMORPHIC 1; RYR2-Related Catecholaminergic Polymorphic Ventricular Tachycardia. Identifiers: Orphanet 3286, MedGen C1631597, MONDO:0011484, OMIM 604772.

Allele frequency attached by ClinVar (database versions not stated): ExAC 0.00001; gnomAD exomes 0.00002; TOPMed 0.00002; gnomAD 0.00003 and 0.00004.
gnomAD v4.1: 33 of 1,611,638 alleles (0.002%); highest among the groups gnomAD compares: African/African-American, 0.008%; no homozygotes.

Submissions (6):

Labcorp Genetics (formerly Invitae), Labcorp
Classification: Likely benign for Catecholaminergic polymorphic ventricular tachycardia 1. Last evaluated: 2025-12-17. Review status: criteria provided, single submitter. Criteria: Invitae Variant Classification Sherloc (09022015). Collection method: clinical testing. Allele origin: germline.

Ambry Genetics
Classification: Likely benign for Cardiovascular phenotype. Last evaluated: 2024-01-29. Review status: criteria provided, single submitter. Criteria: Ambry Variant Classification Scheme 2023. Collection method: clinical testing. Allele origin: germline.

All of Us Research Program, National Institutes of Health
Classification: Likely benign for Catecholaminergic polymorphic ventricular tachycardia. Last evaluated: 2023-12-01. Review status: criteria provided, single submitter. Criteria: ACMG Guidelines, 2015. Collection method: clinical testing. Allele origin: germline. Inheritance: Autosomal dominant inheritance. Observed: 4 variant alleles, 4 heterozygotes.
Comment: This study involves interpretation of variants in research participants for the purpose of population health screening. Participant phenotype was not available at the time of variant classification. Additional details can be found in publication PMID: 35346344, PMCID: PMC8962531

CeGaT Center for Human Genetics Tuebingen
Classification: Likely benign. Last evaluated: 2023-08-01. Review status: criteria provided, single submitter. Criteria: CeGaT Center For Human Genetics Tuebingen Variant Classification Criteria Version 2. Collection method: clinical testing. Allele origin: germline. Affected: yes. Observed: 1 variant allele.
Comment: RYR2: BP4, BP7

Color Diagnostics, LLC DBA Color Health
Classification: Likely benign for Cardiomyopathy. Last evaluated: 2019-10-09. Review status: criteria provided, single submitter. Criteria: ACMG Guidelines, 2015. Collection method: clinical testing. Allele origin: germline.

Laboratory for Molecular Medicine, Mass General Brigham Personalized Medicine
Classification: Likely benign. Last evaluated: 2017-09-04. Review status: criteria provided, single submitter. Criteria: LMM Criteria. Collection method: clinical testing. Allele origin: germline. Observed: 1 variant allele.
Comment: p.Ala3794Ala in exon 83 of RYR2: This variant is not expected to have clinical s ignificance because it does not alter an amino acid residue and is not located w ithin the splice consensus sequence. It has been identified in 2/23972 African c hromosomes and 1/126440 European chromosomes by the Genome Aggregation Database (gnomAD; dbSNP rs760519786).